The following is an entry in ClinVar:

ClinVar aggregate classification (germline): Uncertain significance. Review status: criteria provided, multiple submitters, no conflicts (2 of 4 stars). 3 submissions from 3 submitters: Uncertain significance (3). Last evaluated 2025-08-11.

Allele frequency attached by ClinVar (database versions not stated): ExAC 0.00001; gnomAD 0.00001; gnomAD exomes 0.00001; TOPMed 0.00001; 1000 Genomes Project 30x 0.00016; 1000 Genomes Project 0.00020.
gnomAD v4.1: 22 of 1,613,966 alleles (0.0014%); highest among the groups gnomAD compares: South Asian, 0.0066%; no homozygotes.

Submissions (3):

GeneDx
Classification: Uncertain significance. Last evaluated: 2025-08-11. Review status: criteria provided, single submitter. Criteria: GeneDx Variant Classification Process June 2021. Collection method: clinical testing. Allele origin: germline. Affected: yes.
Comment: In silico analysis suggests that this missense variant does not alter protein structure/function; This variant is associated with the following publications: (PMID: 38410694, 34582790)

Blueprint Genetics
Classification: Uncertain significance. Last evaluated: 2024-09-24. Review status: criteria provided, single submitter. Criteria: ACMG Guidelines, 2015. Collection method: clinical testing. Allele origin: germline.

Labcorp Genetics (formerly Invitae), Labcorp
Classification: Uncertain significance. Last evaluated: 2022-08-08. Review status: criteria provided, single submitter. Criteria: Invitae Variant Classification Sherloc (09022015). Collection method: clinical testing. Allele origin: germline.
Comment: This sequence change replaces arginine, which is basic and polar, with glutamine, which is neutral and polar, at codon 117 of the TRAK1 protein (p.Arg117Gln). This variant is present in population databases (rs564059529, gnomAD 0.01%). This missense change has been observed in individual(s) with neurodevelopmental disorder (PMID: 34582790). Algorithms developed to predict the effect of missense changes on protein structure and function are either unavailable or do not agree on the potential impact of this missense change (SIFT: "Tolerated"; PolyPhen-2: "Probably Damaging"; Align-GVGD: "Class C0"). In summary, the available evidence is currently insufficient to determine the role of this variant in disease. Therefore, it has been classified as a Variant of Uncertain Significance.

Literature cited by the submitters: PubMed 34582790 (cited by Labcorp Genetics (formerly Invitae), Labcorp).

NM_001042646.3(TRAK1):c.350G>A (p.Arg117Gln)

Gene: TRAK1 (trafficking kinesin protein 1; plus strand). Cytogenetic location: 3p22.1.
Variant type: single nucleotide variant.
Coding change: c.350G>A on transcript NM_001042646.3 (MANE Select); coding-DNA position 350, G replaced by A.
Protein change: p.Arg117Gln; replaces arginine 117 with glutamine.
Molecular consequence: missense variant. On other transcripts: non-coding transcript variant (1).
Genome position (GRCh38, 1-based): chr3:42,176,877, G>A. VCF-style: chr3-42176877-G-A. GRCh37 (hg19) VCF-style: chr3-42218369-G-A.
Other names: c.350G>A, p.Arg117Gln (NM_001265608.2, NM_001349246.2, NM_001349247.2); c.128G>A, p.Arg43Gln (NM_001265609.2, NM_001265610.1, NM_001349248.1 and 1 more transcripts); c.38G>A, p.Arg13Gln (NM_001349245.1); c.176G>A, p.Arg59Gln (NM_001410741.1, NM_014965.5); c.350G>A (NM_001042646.2); short protein forms R117Q, R13Q, R59Q, R43Q.
Identifiers: ClinVar variation 1908785 (VCV001908785.7), dbSNP rs564059529, ClinGen allele CA2333063.